The following is an entry in ClinVar:

NM_000143.4(FH):c.1088C>T (p.Pro363Leu)

Gene: FH (fumarate hydratase; minus strand). Cytogenetic location: 1q43.
Variant type: single nucleotide variant.
Coding change: c.1088C>T on transcript NM_000143.4 (MANE Select); coding-DNA position 1088, C replaced by T.
Protein change: p.Pro363Leu; replaces proline 363 with leucine.
Molecular consequence: missense variant.
Genome position (GRCh38, 1-based): chr1:241,504,062, G>A on the plus strand (C>T on the coding strand, the complement: FH is on the minus strand). VCF-style: chr1-241504062-G-A. GRCh37 (hg19) VCF-style: chr1-241667362-G-A.
Other names: short protein forms P363L.
Identifiers: ClinVar variation 3645456 (VCV003645456.2).

ClinVar aggregate classification (germline): Uncertain significance (1 of 4 stars; one submission).

Submission:

Labcorp Genetics (formerly Invitae), Labcorp
Classification: Uncertain significance. Last evaluated: 2024-03-12. Review status: criteria provided, single submitter. Criteria: Invitae Variant Classification Sherloc (09022015). Collection method: clinical testing. Allele origin: germline.
Comment: This sequence change replaces proline, which is neutral and non-polar, with leucine, which is neutral and non-polar, at codon 363 of the FH protein (p.Pro363Leu). This variant is not present in population databases (gnomAD no frequency). This variant has not been reported in the literature in individuals affected with FH-related conditions. Advanced modeling of protein sequence and biophysical properties (such as structural, functional, and spatial information, amino acid conservation, physicochemical variation, residue mobility, and thermodynamic stability) performed at Invitae indicates that this missense variant is expected to disrupt FH protein function with a positive predictive value of 95%. In summary, the available evidence is currently insufficient to determine the role of this variant in disease. Therefore, it has been classified as a Variant of Uncertain Significance.